The following is an entry in ClinVar:

NM_002224.4(ITPR3):c.3928G>A (p.Glu1310Lys)

Gene: ITPR3 (inositol 1,4,5-trisphosphate receptor type 3; plus strand). Cytogenetic location: 6p21.31.
Variant type: single nucleotide variant.
Coding change: c.3928G>A on transcript NM_002224.4 (MANE Select); coding-DNA position 3928, G replaced by A.
Protein change: p.Glu1310Lys; replaces glutamic acid 1310 with lysine.
Molecular consequence: missense variant.
Genome position (GRCh38, 1-based): chr6:33,678,795, G>A. VCF-style: chr6-33678795-G-A. GRCh37 (hg19) VCF-style: chr6-33646572-G-A.
Other names: short protein forms E1310K.
Identifiers: ClinVar variation 4688149 (VCV004688149.1).
Genomic context (GRCh38, chr6:33,678,795, plus strand): 5'-CTGGCCACGCACGGGCGCCATGTGCAGTACCTGGACTTCCTGCACACCGTCATTAAGGCC[G>A]AGGGCAAGTACGTCAAGAAGTGCCAGGACATGATCATGACTGAGGTGAGGGCGGGGCTGA-3'
Protein context (NP_002215.2, residues 1300-1320): LDFLHTVIKA[Glu1310Lys]GKYVKKCQDM

ClinVar aggregate classification (germline): Uncertain significance (1 of 4 stars; one submission).

Conditions:
Charcot-Marie-Tooth disease, demyelinating, type 1J. Also called: CHARCOT-MARIE-TOOTH NEUROPATHY, DEMYELINATING, TYPE 1J. Identifiers: MedGen C5774249, MONDO:0859311, OMIM 620111.

gnomAD v4.1: 11 of 1,613,592 alleles (0.00068%); highest among the groups gnomAD compares: South Asian, 0.0011%; no homozygotes.

Submission:

MVZ Medizinische Genetik Mainz
Classification: Uncertain significance for Charcot-Marie-Tooth disease, demyelinating, type 1J. Last evaluated: 2025-11-20. Review status: criteria provided, single submitter. Criteria: UK Practice Guidelines For Variant Classification V4 01 2020. Collection method: clinical testing. Allele origin: germline. Inheritance: Autosomal dominant inheritance. Affected: yes. Observed: 1 variant allele.
Comment: ACMG Criteria: PP3_MOD,PM2_SUP